The following is an entry in ClinVar:

ClinVar aggregate classification (germline): Uncertain significance. Review status: criteria provided, multiple submitters, no conflicts (2 of 4 stars). 3 submissions from 3 submitters: Uncertain significance (3). Last evaluated 2026-10-01.

Conditions:
Inborn genetic diseases. Identifiers: MedGen C0950123, MeSH D030342.
Developmental and epileptic encephalopathy, 1 (DEE1). Also called: X-linked infantile spasms; West's syndrome; Tonic spasms with clustering, arrest of psychomotor development and hypsarrhythmia on EEG; X-Linked Infantile Spasm Syndrome; OHTAHARA SYNDROME, X-LINKED; Epileptic encephalopathy, early infantile, 1. Identifiers: MedGen C3463992, MONDO:0010632, OMIM 308350. Disease mechanism: loss of function.
Autosomal recessive spinocerebellar ataxia 12. Also called: SPINOCEREBELLAR ATAXIA WITH MENTAL RETARDATION AND EPILEPSY. Identifiers: Orphanet 284282, MedGen C3280452, MONDO:0013687, OMIM 614322.

Allele frequency attached by ClinVar (database versions not stated): gnomAD exomes 0.00001 and 0.00002; TOPMed 0.00003; ExAC 0.00001; gnomAD 0.00001.
gnomAD v4.1: 22 of 1,614,108 alleles (0.0014%); highest among the groups gnomAD compares: African/African-American, 0.0027%; no homozygotes.

Submissions (3):

GeneDx
Classification: Uncertain significance. Last evaluated: 2026-10-01. Review status: criteria provided, single submitter. Criteria: GeneDx Variant Classification Process June 2021. Collection method: clinical testing. Allele origin: germline.
Comment: Not observed at significant frequency in large population cohorts (gnomAD); In silico analysis suggests that this missense variant does not alter protein structure/function; Has not been previously published as pathogenic or benign to our knowledge

Ambry Genetics
Classification: Uncertain significance for Inborn genetic diseases. Last evaluated: 2023-12-30. Review status: criteria provided, single submitter. Criteria: Ambry Variant Classification Scheme 2023. Collection method: clinical testing. Allele origin: germline.

Labcorp Genetics (formerly Invitae), Labcorp
Classification: Uncertain significance for Developmental and epileptic encephalopathy, 1; Autosomal recessive spinocerebellar ataxia 12. Last evaluated: 2022-08-06. Review status: criteria provided, single submitter. Criteria: Invitae Variant Classification Sherloc (09022015). Collection method: clinical testing. Allele origin: germline.
Comment: This sequence change replaces cysteine, which is neutral and slightly polar, with tyrosine, which is neutral and polar, at codon 380 of the WWOX protein (p.Cys380Tyr). This variant is present in population databases (rs758746365, gnomAD 0.005%). This variant has not been reported in the literature in individuals affected with WWOX-related conditions. ClinVar contains an entry for this variant (Variation ID: 546347). Algorithms developed to predict the effect of missense changes on protein structure and function are either unavailable or do not agree on the potential impact of this missense change (SIFT: "Not Available"; PolyPhen-2: "Benign"; Align-GVGD: "Not Available"). In summary, the available evidence is currently insufficient to determine the role of this variant in disease. Therefore, it has been classified as a Variant of Uncertain Significance.

NM_016373.4(WWOX):c.1139G>A (p.Cys380Tyr)

Genes: MAF (MAF bZIP transcription factor; minus strand), WWOX (WW domain containing oxidoreductase; plus strand). Cytogenetic location: 16q23.2.
Variant type: single nucleotide variant.
Coding change: c.1139G>A on transcript NM_016373.4 (MANE Select); coding-DNA position 1139, G replaced by A.
Protein change: p.Cys380Tyr; replaces cysteine 380 with tyrosine.
Molecular consequence: missense variant.
Genome position (GRCh38, 1-based): chr16:79,211,690, G>A. VCF-style: chr16-79211690-G-A. GRCh37 (hg19) VCF-style: chr16-79245587-G-A.
Other names: c.800G>A, p.Cys267Tyr (NM_001291997.2); short protein forms C380Y, C267Y.
Identifiers: ClinVar variation 546347 (VCV000546347.9), dbSNP rs758746365, ClinGen allele CA8183757.
Genomic context (GRCh38, chr16:79,211,690, plus strand): 5'-TGTACTGTGCTGCTGTCCCAGAACTGGAGGGTCTGGGAGGGATGTACTTCAACAACTGCT[G>A]CCGCTGCATGCCCTCACCAGAAGCTCAGAGCGAAGAGACGGCCCGGACCCTGTGGGCGCT-3'
Protein context (NP_057457.1, residues 370-390): GLGGMYFNNC[Cys380Tyr]RCMPSPEAQS